The following is an entry in ClinVar:

ClinVar aggregate classification (germline): Pathogenic/Likely pathogenic. Review status: criteria provided, multiple submitters, no conflicts (2 of 4 stars). 2 submissions from 2 submitters: Pathogenic (1); Likely pathogenic (1). Last evaluated 2024-12-04.

Conditions:
Cardiovascular phenotype. Identifiers: MedGen CN230736.
Hypertrophic cardiomyopathy. Also called: HYPERTROPHIC MYOCARDIOPATHY. Identifiers: Orphanet 217569, MedGen C0007194, MeSH D002312, MONDO:0005045, HP:0001639.

Submissions (2):

Labcorp Genetics (formerly Invitae), Labcorp
Classification: Pathogenic for Hypertrophic cardiomyopathy. Last evaluated: 2024-12-04. Review status: criteria provided, single submitter. Criteria: Invitae Variant Classification Sherloc (09022015). Collection method: clinical testing. Allele origin: germline.
Comment: This sequence change replaces phenylalanine, which is neutral and non-polar, with leucine, which is neutral and non-polar, at codon 247 of the MYH7 protein (p.Phe247Leu). This variant is not present in population databases (gnomAD no frequency). This missense change has been observed in individuals with hypertrophic cardiomyopathy (PMID: 22765922, 27532257; internal data). ClinVar contains an entry for this variant (Variation ID: 571159). Invitae Evidence Modeling of protein sequence and biophysical properties (such as structural, functional, and spatial information, amino acid conservation, physicochemical variation, residue mobility, and thermodynamic stability) indicates that this missense variant is expected to disrupt MYH7 protein function with a positive predictive value of 95%. This variant disrupts the p.Phe247 amino acid residue in MYH7. Other variant(s) that disrupt this residue have been determined to be pathogenic (internal data). This suggests that this residue is clinically significant, and that variants that disrupt this residue are likely to be disease-causing. For these reasons, this variant has been classified as Pathogenic.

Ambry Genetics
Classification: Likely pathogenic for Cardiovascular phenotype. Last evaluated: 2018-07-27. Review status: criteria provided, single submitter. Criteria: Ambry Variant Classification Scheme 2023. Collection method: clinical testing. Allele origin: germline.
Comment: The p.F247L variant (also known as c.741C>A), located in coding exon 7 of the MYH7 gene, results from a C to A substitution at nucleotide position 741. The phenylalanine at codon 247 is replaced by leucine, an amino acid with highly similar properties. In addition, the c.739T>C variant has been reported to segregate with disease in a family with HCM that had testing performed at outside laboratories (personal communication). This amino acid position is highly conserved in available vertebrate species. In addition, this alteration is predicted to be deleterious by in silico analysis. Based on the majority of available evidence to date, this variant is likely to be pathogenic.

Literature cited by the submitters: PubMed 22765922 (cited by Labcorp Genetics (formerly Invitae), Labcorp); PubMed 27532257 (cited by Labcorp Genetics (formerly Invitae), Labcorp).

NM_000257.4(MYH7):c.741C>A (p.Phe247Leu)

Gene: MYH7 (myosin heavy chain 7; minus strand). Cytogenetic location: 14q11.2.
Variant type: single nucleotide variant.
Coding change: c.741C>A on transcript NM_000257.4 (MANE Select); coding-DNA position 741, C replaced by A.
Protein change: p.Phe247Leu; replaces phenylalanine 247 with leucine.
Molecular consequence: missense variant.
Genome position (GRCh38, 1-based): chr14:23,431,473, G>T on the plus strand (C>A on the coding strand, the complement: MYH7 is on the minus strand). VCF-style: chr14-23431473-G-T. GRCh37 (hg19) VCF-style: chr14-23900682-G-T.
Other names: short protein forms F247L.
Identifiers: ClinVar variation 571159 (VCV000571159.12), dbSNP rs1566537070, ClinGen allele CA389052142.